The following is an entry in ClinVar:

NM_004273.5(CHST3):c.862G>T (p.Glu288Ter)

Gene: CHST3 (carbohydrate sulfotransferase 3; plus strand). Cytogenetic location: 10q22.1.
Variant type: single nucleotide variant.
Coding change: c.862G>T on transcript NM_004273.5 (MANE Select); coding-DNA position 862, G replaced by T.
Protein change: p.Glu288Ter; replaces glutamic acid 288 with a stop codon.
Molecular consequence: nonsense.
Genome position (GRCh38, 1-based): chr10:72,007,893, G>T. VCF-style: chr10-72007893-G-T. GRCh37 (hg19) VCF-style: chr10-73767651-G-T.
Other names: c.862G>T, p.Glu288Ter (NM_001441201.1, NM_001441202.1); short protein forms E288*.
Identifiers: ClinVar variation 4292706 (VCV004292706.1).

ClinVar aggregate classification (germline): Likely pathogenic (1 of 4 stars; one submission).

Conditions:
Spondyloepiphyseal dysplasia with congenital joint dislocations (SEDCJD). Also called: Chondrodysplasia with Congenital Joint Dislocations, CHST3-Related. Identifiers: Orphanet 263463, MedGen C1837657, MONDO:0007738, OMIM 143095.

Submission:

3billion
Classification: Likely pathogenic for Spondyloepiphyseal dysplasia with congenital joint dislocations. Last evaluated: 2024-12-23. Review status: criteria provided, single submitter. Criteria: ACMG Guidelines, 2015. Collection method: clinical testing. Allele origin: germline. Affected: yes.
Comment: The variant is not observed in the gnomAD v4.1.0 dataset. Predicted Consequence/Location: Stop-gained (nonsense): predicted to result in a loss or disruption of normal protein function through protein truncation. The predicted truncated protein may be shortened by more than 10%. Therefore, this variant is classified as Likely pathogenic according to the recommendation of ACMG/AMP guideline.